The following is an entry in ClinVar:

ClinVar aggregate classification (germline): Uncertain significance (1 of 4 stars; one submission).

Conditions:
Hypertrophic cardiomyopathy 26. Also called: Cardiomyopathy, familial hypertrophic, 26. Identifiers: Orphanet 75249, MedGen C4310749, MONDO:0014883, OMIM 617047.
Myofibrillar myopathy 5. Also called: Filaminopathy (type); FILAMINOPATHY, AUTOSOMAL DOMINANT. Identifiers: Orphanet 171445, MedGen C1836050, MONDO:0012289, OMIM 609524.
Distal myopathy with posterior leg and anterior hand involvement. Also called: WILLIAMS DISTAL MYOPATHY. Identifiers: Orphanet 63273, MedGen C3279722, MONDO:0013550, OMIM 614065.

gnomAD v4.1: 1 of 1,614,080 alleles (0.000062%); highest among the groups gnomAD compares: East Asian, 0.0022%; no homozygotes.

Submission:

Labcorp Genetics (formerly Invitae), Labcorp
Classification: Uncertain significance for Distal myopathy with posterior leg and anterior hand involvement; Myofibrillar myopathy 5; Hypertrophic cardiomyopathy 26. Last evaluated: 2025-09-10. Review status: criteria provided, single submitter. Criteria: Invitae Variant Classification Sherloc (09022015). Collection method: clinical testing. Allele origin: germline.
Comment: This sequence change replaces proline, which is neutral and non-polar, with threonine, which is neutral and polar, at codon 653 of the FLNC protein (p.Pro653Thr). This variant is not present in population databases (gnomAD no frequency). This variant has not been reported in the literature in individuals affected with FLNC-related conditions. Invitae Evidence Modeling of protein sequence and biophysical properties (such as structural, functional, and spatial information, amino acid conservation, physicochemical variation, residue mobility, and thermodynamic stability) has been performed for this missense variant. However, the output from this modeling did not meet the statistical confidence thresholds required to predict the impact of this variant on FLNC protein function. In summary, the available evidence is currently insufficient to determine the role of this variant in disease. Therefore, it has been classified as a Variant of Uncertain Significance.

NM_001458.5(FLNC):c.1957C>A (p.Pro653Thr)

Gene: FLNC (filamin C; plus strand). Cytogenetic location: 7q32.1.
Variant type: single nucleotide variant.
Coding change: c.1957C>A on transcript NM_001458.5 (MANE Select); coding-DNA position 1957, C replaced by A.
Protein change: p.Pro653Thr; replaces proline 653 with threonine.
Molecular consequence: missense variant.
Genome position (GRCh38, 1-based): chr7:128,841,313, C>A. VCF-style: chr7-128841313-C-A. GRCh37 (hg19) VCF-style: chr7-128481367-C-A.
Other names: c.1957C>A, p.Pro653Thr (NM_001127487.2); short protein forms P653T.
Identifiers: ClinVar variation 4812406 (VCV004812406.1).